The following is an entry in ClinVar:

ClinVar aggregate classification (germline): Uncertain significance. Review status: criteria provided, multiple submitters, no conflicts (2 of 4 stars). 2 submissions from 2 submitters: Uncertain significance (2). Last evaluated 2022-10-17.

Conditions:
Lysinuric protein intolerance (LPI). Identifiers: Orphanet 470, MedGen C0268647, MONDO:0009109, OMIM 222700.

Allele frequency attached by ClinVar (database versions not stated): gnomAD below 0.00001 and 0.00001.
gnomAD v4.1: 3 of 1,613,188 alleles (0.00019%); highest among the groups gnomAD compares: African/African-American, 0.0013%; no homozygotes.

Submissions (2):

Labcorp Genetics (formerly Invitae), Labcorp
Classification: Uncertain significance for Lysinuric protein intolerance. Last evaluated: 2022-10-17. Review status: criteria provided, single submitter. Criteria: Invitae Variant Classification Sherloc (09022015). Collection method: clinical testing. Allele origin: germline.
Comment: In summary, the available evidence is currently insufficient to determine the role of this variant in disease. Therefore, it has been classified as a Variant of Uncertain Significance. Algorithms developed to predict the effect of missense changes on protein structure and function are either unavailable or do not agree on the potential impact of this missense change (SIFT: "Tolerated"; PolyPhen-2: "Probably Damaging"; Align-GVGD: "Class C0"). ClinVar contains an entry for this variant (Variation ID: 312823). This variant has not been reported in the literature in individuals affected with SLC7A7-related conditions. This variant is not present in population databases (gnomAD no frequency). This sequence change replaces alanine, which is neutral and non-polar, with serine, which is neutral and polar, at codon 163 of the SLC7A7 protein (p.Ala163Ser).

Illumina Laboratory Services, Illumina
Classification: Uncertain significance for Lysinuric protein intolerance. Last evaluated: 2018-01-12. Review status: criteria provided, single submitter. Criteria: ICSL Variant Classification Criteria 13 December 2019. Collection method: clinical testing. Allele origin: germline.

NM_003982.4(SLC7A7):c.487G>T (p.Ala163Ser)

Gene: SLC7A7 (solute carrier family 7 member 7; minus strand). Cytogenetic location: 14q11.2.
Variant type: single nucleotide variant.
Coding change: c.487G>T on transcript NM_003982.4 (MANE Select); coding-DNA position 487, G replaced by T.
Protein change: p.Ala163Ser; replaces alanine 163 with serine.
Molecular consequence: missense variant.
Genome position (GRCh38, 1-based): chr14:22,812,912, C>A on the plus strand (G>T on the coding strand, the complement: SLC7A7 is on the minus strand). VCF-style: chr14-22812912-C-A. GRCh37 (hg19) VCF-style: chr14-23282121-C-A.
Other names: c.487G>T, p.Ala163Ser (NM_001126105.3, NM_001126106.4); short protein forms A163S.
Identifiers: ClinVar variation 312823 (VCV000312823.12), dbSNP rs866437643, ClinGen allele CA10645028.
Genomic context (GRCh38, chr14:22,812,912, plus strand): 5'-CCTCTGTCCAGCCCTCCACCCACCACCTCCTACCCCAGCCCCACTTACAAATGCAGGCAG[C>A]AGCCAGCAGGCGGCTGGCAGCATAAGGGGCGAAGCAGCTCGGGAAGAGAGGCTGTACCAT-3'
Protein context (NP_003973.3, residues 153-173): APYAASRLLA[Ala163Ser]ACICLLTFIN